The following is an entry in ClinVar:

ClinVar aggregate classification (germline): Benign/Likely benign. Review status: criteria provided, multiple submitters, no conflicts (2 of 4 stars). 6 submissions from 5 submitters: Benign (4); Likely benign (2). Last evaluated 2026-01-15.

Conditions:
DYNC1H1-related disorder. Also called: DYNC1H1-related condition; DYNC1H1-related disorders. Identifiers: MedGen CN381529.
Autosomal dominant cerebellar ataxia. Also called: Spinocerebellar Ataxia, Dominant. Identifiers: Orphanet 99, MedGen C4087347, MONDO:0020380.
Inborn genetic diseases. Identifiers: MedGen C0950123, MeSH D030342.
Charcot-Marie-Tooth disease axonal type 2O. Also called: Charcot-Marie-Tooth disease, axonal, type 20; CHARCOT-MARIE-TOOTH NEUROPATHY, AXONAL, TYPE 2O; CHARCOT-MARIE-TOOTH DISEASE, AXONAL, AUTOSOMAL DOMINANT, TYPE 2O; Charcot-Marie-Tooth Neuropathy Type 2O. Identifiers: Orphanet 284232, MedGen C3280220, MONDO:0013644, OMIM 614228.

Allele frequency attached by ClinVar (database versions not stated): 1000 Genomes Project 30x 0.00016; 1000 Genomes Project 0.00020; ExAC 0.00028; gnomAD exomes 0.00005 and 0.00029; gnomAD 0.00009 and 0.00013; TOPMed 0.00011.
gnomAD v4.1: 107 of 1,614,244 alleles (0.0066%); highest among the groups gnomAD compares: East Asian, 0.17%; no homozygotes.

Submissions (6):

Labcorp Genetics (formerly Invitae), Labcorp
Classification: Benign for Charcot-Marie-Tooth disease axonal type 2O. Last evaluated: 2026-01-15. Review status: criteria provided, single submitter. Criteria: Invitae Variant Classification Sherloc (09022015). Collection method: clinical testing. Allele origin: germline.

PreventionGenetics, part of Exact Sciences
Classification: Likely benign for DYNC1H1-related condition. Last evaluated: 2025-03-24. Review status: criteria provided, single submitter. Criteria: ACMG Guidelines, 2015. Collection method: clinical testing. Allele origin: germline.
Comment: This variant is classified as likely benign based on ACMG/AMP sequence variant interpretation guidelines (Richards et al. 2015 PMID: 25741868, with internal and published modifications).

ARUP Laboratories, Molecular Genetics and Genomics, ARUP Laboratories
Classification: Benign. Last evaluated: 2022-06-22. Review status: criteria provided, single submitter. Criteria: ARUP Molecular Germline Variant Investigation Process 2021. Collection method: clinical testing. Allele origin: germline.

Illumina Laboratory Services, Illumina
Classification: Benign for Charcot-Marie-Tooth disease axonal type 2O. Last evaluated: 2018-01-13. Review status: criteria provided, single submitter. Criteria: ICSL Variant Classification Criteria 13 December 2019. Collection method: clinical testing. Allele origin: germline.
Comment: This variant was observed in the ICSL laboratory as part of a predisposition screen in an ostensibly healthy population. It had not been previously curated by ICSL or reported in the Human Gene Mutation Database (HGMD: prior to June 1st, 2018), and was therefore a candidate for classification through an automated scoring system. Utilizing variant allele frequency, disease prevalence and penetrance estimates, and inheritance mode, an automated score was calculated to assess if this variant is too frequent to cause the disease. Based on the score and internal cut-off values, a variant classified as benign is not then subjected to further curation. The score for this variant resulted in a classification of benign for this disease.

Illumina Laboratory Services, Illumina
Classification: Benign for Spinocerebellar Ataxia, Dominant. Last evaluated: 2018-01-13. Review status: criteria provided, single submitter. Criteria: ICSL Variant Classification Criteria 13 December 2019. Collection method: clinical testing. Allele origin: germline.
Comment: the same text as in the submission from Illumina Laboratory Services, Illumina above.

Ambry Genetics
Classification: Likely benign for Inborn genetic diseases. Last evaluated: 2016-11-02. Review status: criteria provided, single submitter. Criteria: Ambry Variant Classification Scheme 2023. Collection method: clinical testing. Allele origin: germline.

NM_001376.5(DYNC1H1):c.7152C>T (p.Ser2384=)

Gene: DYNC1H1 (dynein cytoplasmic 1 heavy chain 1; plus strand). Cytogenetic location: 14q32.31.
Variant type: single nucleotide variant.
Coding change: c.7152C>T on transcript NM_001376.5 (MANE Select); coding-DNA position 7152, C replaced by T.
Protein change: p.Ser2384=; no amino-acid change (serine 2384 retained).
Molecular consequence: synonymous variant.
Genome position (GRCh38, 1-based): chr14:102,015,242, C>T. VCF-style: chr14-102015242-C-T. GRCh37 (hg19) VCF-style: chr14-102481579-C-T.
Identifiers: ClinVar variation 472548 (VCV000472548.21), dbSNP rs376471830, ClinGen allele CA7352747.